The following is an entry in ClinVar:

NM_015346.4(ZFYVE26):c.7046del (p.Ser2349fs)

Gene: ZFYVE26 (zinc finger FYVE-type containing 26; minus strand). Cytogenetic location: 14q24.1.
Variant type: Deletion.
Coding change: c.7046del on transcript NM_015346.4 (MANE Select); coding-DNA position 7046, one base deleted (G; older notation c.7046delG).
Protein change: p.Ser2349fs; shifts the reading frame from serine 2349.
Molecular consequence: frameshift variant.
Genome position (GRCh38, 1-based): chr14:67,754,153, C deleted on the plus strand (G on the coding strand, the reverse complement: ZFYVE26 is on the minus strand). VCF-style (leftmost placement, unchanged base first): chr14-67754152-AC-A. GRCh37 (hg19) VCF-style: chr14-68220869-AC-A.
Other names: short protein forms S2349fs.
Identifiers: ClinVar variation 1725745 (VCV001725745.2), dbSNP rs2503936427, ClinGen allele CA2580088637.
Genomic context (GRCh38, chr14:67,754,152, plus strand): 5'-CATGTGGTTATTTCCAAACAGGGTTGGCAGAGGCAAAGTGGTGATTTGAGAGGTCCCAGC[AC>A]TTTCGCACCGATGCAAGAACCTGGTCACTTCCATCTGCAGCTGAAGTGTGTTCATGTGCC-3'

ClinVar aggregate classification (germline): Likely pathogenic (1 of 4 stars; one submission).

Conditions:
Hereditary spastic paraplegia 15 (SPG15). Also called: SPASTIC PARAPLEGIA 15, AUTOSOMAL RECESSIVE; KJELLIN SYNDROME; SPASTIC PARAPLEGIA AND RETINAL DEGENERATION. Identifiers: Orphanet 100996, MedGen C1849128, MONDO:0010044, OMIM 270700.

Submission:

Myriad Genetics, Inc.
Classification: Likely pathogenic for Hereditary spastic paraplegia 15. Last evaluated: 2022-03-31. Review status: criteria provided, single submitter. Criteria: Myriad Women's Health Autosomal Recessive and X-Linked Classification Criteria (2021). Collection method: clinical testing. Allele origin: unknown.
Comment: NM_015346.3(ZFYVE26):c.7046delG(S2349Mfs*21) is expected to be pathogenic in the context of spastic paraplegia type 15. This variant is predicted to lead to an abnormal or absent protein product due to the creation of a premature termination codon in ZFYVE26, a gene where loss-of-function variants are known to be pathogenic. Please note: this variant was assessed in the context of healthy population screening.